The following is an entry in ClinVar:

ClinVar aggregate classification (germline): Benign/Likely benign. Review status: criteria provided, multiple submitters, no conflicts (2 of 4 stars). 2 submissions from 2 submitters: Benign (1); Likely benign (1). Last evaluated 2025-02-27.

Conditions:
Hereditary cancer-predisposing syndrome. Also called: Tumor predisposition; Hereditary Cancer Syndrome; Neoplastic Syndromes, Hereditary; Hereditary neoplastic syndrome. Identifiers: Orphanet 140162, MedGen C0027672, MeSH D009386, MONDO:0015356.
Multiple endocrine neoplasia type 2A. Also called: Multiple Endocrine Neoplasia Type 2A (MEN2A); MULTIPLE ENDOCRINE NEOPLASIA, TYPE IIA; PTC SYNDROME; SIPPLE SYNDROME; MEN 2A; MEN-2A syndrome. Identifiers: Orphanet 247698, Orphanet 653, MedGen C0025268, MeSH D018813, MONDO:0008234, OMIM 171400.

Submissions (2):

Myriad Genetics, Inc.
Classification: Benign for Multiple endocrine neoplasia type 2A. Last evaluated: 2025-02-27. Review status: criteria provided, single submitter. Criteria: Myriad Autosomal Dominant, Autosomal Recessive and X-Linked Classification Criteria (2023). Collection method: clinical testing. Allele origin: unknown.
Comment: This variant is considered benign. This variant is a silent/synonymous amino acid change and it is not expected to impact splicing.

Ambry Genetics
Classification: Likely benign for Hereditary cancer-predisposing syndrome. Last evaluated: 2021-12-15. Review status: criteria provided, single submitter. Criteria: Ambry Variant Classification Scheme 2023. Collection method: clinical testing. Allele origin: germline.

NM_020975.6(RET):c.2790G>T (p.Thr930=)

Gene: RET (ret proto-oncogene; plus strand). Cytogenetic location: 10q11.21.
Variant type: single nucleotide variant.
Coding change: c.2790G>T on transcript NM_020975.6 (MANE Select); coding-DNA position 2790, G replaced by T.
Protein change: p.Thr930=; no amino-acid change (threonine 930 retained).
Molecular consequence: synonymous variant.
Genome position (GRCh38, 1-based): chr10:43,122,005, G>T. VCF-style: chr10-43122005-G-T. GRCh37 (hg19) VCF-style: chr10-43617453-G-T.
Other names: c.2790G>T, p.Thr930= (NM_000323.2, NM_001406743.1, NM_001406744.1 and 4 more transcripts); c.2028G>T, p.Thr676= (NM_001355216.2); c.2661G>T, p.Thr887= (NM_001406761.1, NM_001406762.1, NM_001406764.1); c.2655G>T, p.Thr885= (NM_001406763.1, NM_001406765.1); c.2502G>T, p.Thr834= (NM_001406766.1, NM_001406767.1, NM_001406770.1); c.2526G>T, p.Thr842= (NM_001406768.1); c.2394G>T, p.Thr798= (NM_001406769.1, NM_001406772.1); c.2352G>T, p.Thr784= (NM_001406771.1, NM_001406773.1); and 10 more.
Identifiers: ClinVar variation 1796047 (VCV001796047.3), dbSNP rs746599792, ClinGen allele CA469029741.